The following is an entry in ClinVar:

ClinVar aggregate classification (germline): Uncertain significance (1 of 4 stars; one submission).

gnomAD v4.1: 10 of 1,613,744 alleles (0.00062%); highest among the groups gnomAD compares: South Asian, 0.0011%; no homozygotes.

Submission:

Women's Health and Genetics/Laboratory Corporation of America, LabCorp
Classification: Uncertain significance. Last evaluated: 2025-09-15. Review status: criteria provided, single submitter. Criteria: LabCorp Variant Classification Summary - May 2015. Collection method: clinical testing. Allele origin: germline.
Comment: Variant summary: FRYL c.8977G>A (p.Val2993Met) results in a conservative amino acid change in the encoded protein sequence. Algorithms developed to predict the effect of missense changes on protein structure and function are either unavailable or do not agree on the potential impact of this missense change. The variant allele was found at a frequency of 8e-06 in 249510 control chromosomes. The available data on variant occurrences in the general population are insufficient to allow any conclusion about variant significance. To our knowledge, no occurrence of c.8977G>A in individuals affected with FRYL-related conditions and no experimental evidence demonstrating its impact on protein function have been reported. No submitters have cited clinical-significance assessments for this variant to ClinVar. Based on the evidence outlined above, the variant was classified as uncertain significance.

NM_015030.2(FRYL):c.8977G>A (p.Val2993Met)

Gene: FRYL (FRY like transcription coactivator; minus strand). Cytogenetic location: 4p11.
Variant type: single nucleotide variant.
Coding change: c.8977G>A on transcript NM_015030.2 (MANE Select); coding-DNA position 8977, G replaced by A.
Protein change: p.Val2993Met; replaces valine 2993 with methionine.
Molecular consequence: missense variant.
Genome position (GRCh38, 1-based): chr4:48,499,487, C>T on the plus strand (G>A on the coding strand, the complement: FRYL is on the minus strand). VCF-style: chr4-48499487-C-T. GRCh37 (hg19) VCF-style: chr4-48501504-C-T.
Other names: short protein forms V2993M.
Identifiers: ClinVar variation 4535526 (VCV004535526.1).